The following is an entry in ClinVar:

ClinVar aggregate classification (germline): Conflicting classifications of pathogenicity. Review status: criteria provided, conflicting classifications (1 of 4 stars). 3 submissions from 3 submitters: Uncertain significance (1); Likely benign (2). Last evaluated 2026-01-26.

Conditions:
FOXC1-related disorder. Also called: FOXC1-related condition.
Inborn genetic diseases. Identifiers: MedGen C0950123, MeSH D030342.
Axenfeld-Rieger syndrome type 3 (RIEG3). Also called: AXENFELD-RIEGER ANOMALY WITH CARDIAC DEFECTS AND/OR SENSORINEURAL HEARING LOSS. Identifiers: Orphanet 782, MedGen C2678503, MONDO:0011233, OMIM 602482.

Allele frequency attached by ClinVar (database versions not stated): TOPMed below 0.00001; gnomAD 0.00001; gnomAD exomes 0.00006; 1000 Genomes Project 30x 0.00016; ExAC 0.00071.
gnomAD v4.1: 83 of 1,542,234 alleles (0.0054%); highest among the groups gnomAD compares: South Asian, 0.092%; no homozygotes.

Submissions (3):

PreventionGenetics, part of Exact Sciences
Classification: Likely benign for FOXC1-related condition. Last evaluated: 2026-01-26. Review status: criteria provided, single submitter. Criteria: ACMG Guidelines, 2015. Collection method: clinical testing. Allele origin: germline.
Comment: This variant is classified as likely benign based on ACMG/AMP sequence variant interpretation guidelines (Richards et al. 2015 PMID: 25741868, with internal and published modifications).

Labcorp Genetics (formerly Invitae), Labcorp
Classification: Likely benign for Axenfeld-Rieger syndrome type 3. Last evaluated: 2024-11-12. Review status: criteria provided, single submitter. Criteria: Invitae Variant Classification Sherloc (09022015). Collection method: clinical testing. Allele origin: germline.

Ambry Genetics
Classification: Uncertain significance for Inborn genetic diseases. Last evaluated: 2023-04-19. Review status: criteria provided, single submitter. Criteria: Ambry Variant Classification Scheme 2023. Collection method: clinical testing. Allele origin: germline.

NM_001453.3(FOXC1):c.1432G>A (p.Ala478Thr)

Gene: FOXC1 (forkhead box C1; plus strand). Cytogenetic location: 6p25.3.
Variant type: single nucleotide variant.
Coding change: c.1432G>A on transcript NM_001453.3 (MANE Select); coding-DNA position 1432, G replaced by A.
Protein change: p.Ala478Thr; replaces alanine 478 with threonine.
Molecular consequence: missense variant.
Genome position (GRCh38, 1-based): chr6:1,611,877, G>A. VCF-style: chr6-1611877-G-A. GRCh37 (hg19) VCF-style: chr6-1612112-G-A.
Other names: short protein forms A478T.
Identifiers: ClinVar variation 2511751 (VCV002511751.5), dbSNP rs756479242, ClinGen allele CA3614893.